The following is an entry in ClinVar:

ClinVar aggregate classification (germline): Benign/Likely benign. Review status: criteria provided, multiple submitters, no conflicts (2 of 4 stars). 11 submissions from 11 submitters: Benign (5); Likely benign (2). 4 of the submissions do not count toward it. Last evaluated 2026-01-29.

Conditions:
TTN-related disorder. Also called: TTN-related condition; TTN-related disease; TTN-related disorders.
Cardiovascular phenotype. Identifiers: MedGen CN230736.
Autosomal recessive limb-girdle muscular dystrophy type 2J (LGMDR10). Also called: Limb-girdle muscular dystrophy, type 2J; MUSCULAR DYSTROPHY, LIMB-GIRDLE, AUTOSOMAL RECESSIVE 10. Identifiers: Orphanet 140922, MedGen C1837342, MONDO:0012127, OMIM 608807.
Dilated cardiomyopathy 1G (CMD1G). Identifiers: Orphanet 154, MedGen C1858763, MONDO:0011400, OMIM 604145.
Cardiomyopathy (CMYO). Also called: Cardiomyopathies. Identifiers: Orphanet 167848, MedGen C0878544, MONDO:0004994, HP:0001638. Inheritance: Various modes of inheritance.

Allele frequency attached by ClinVar (database versions not stated): TOPMed 0.00005; ExAC 0.00123; 1000 Genomes Project 30x 0.00141; 1000 Genomes Project 0.00180.
gnomAD v4.1: 715 of 1,594,552 alleles (0.045%); highest among the groups gnomAD compares: South Asian, 0.79%; 7 homozygotes.

Submissions (11):

Labcorp Genetics (formerly Invitae), Labcorp
Classification: Benign for Dilated cardiomyopathy 1G; Autosomal recessive limb-girdle muscular dystrophy type 2J. Last evaluated: 2026-01-29. Review status: criteria provided, single submitter. Criteria: Invitae Variant Classification Sherloc (09022015). Collection method: clinical testing. Allele origin: germline.

Women's Health and Genetics/Laboratory Corporation of America, LabCorp
Classification: Likely benign. Last evaluated: 2025-10-29. Review status: criteria provided, single submitter. Criteria: LabCorp Variant Classification Summary - May 2015. Collection method: clinical testing. Allele origin: germline.

Blueprint Genetics
Classification: Likely benign. Last evaluated: 2024-11-07. Review status: criteria provided, single submitter. Criteria: ACMG Guidelines, 2015. Collection method: clinical testing. Allele origin: germline.

CHEO Genetics Diagnostic Laboratory, Children's Hospital of Eastern Ontario
Classification: Benign for Cardiomyopathy. Last evaluated: 2020-01-08. Review status: criteria provided, single submitter. Criteria: ACMG Guidelines, 2015. Collection method: clinical testing. Allele origin: germline. Study: Canadian Open Genetics Repository.

Ambry Genetics
Classification: Benign for Cardiovascular phenotype. Last evaluated: 2019-03-14. Review status: criteria provided, single submitter. Criteria: Ambry Variant Classification Scheme 2023. Collection method: clinical testing. Allele origin: germline.

GeneDx
Classification: Benign. Last evaluated: 2017-03-14. Review status: criteria provided, single submitter. Criteria: GeneDx Variant Classification (06012015). Collection method: clinical testing. Allele origin: germline. Affected: yes.
Comment: This variant is considered likely benign or benign based on one or more of the following criteria: it is a conservative change, it occurs at a poorly conserved position in the protein, it is predicted to be benign by multiple in silico algorithms, and/or has population frequency not consistent with disease.

Laboratory for Molecular Medicine, Mass General Brigham Personalized Medicine
Classification: Benign. Last evaluated: 2015-06-11. Review status: criteria provided, single submitter. Criteria: LMM Criteria. Collection method: clinical testing. Allele origin: germline. Observed: 2 variant alleles.
Comment: p.Gly30709Glu in exon 304 of TTN: This variant is not expected to have clinical significance because it has been identified in 1.1% (120/11202) South Asian chro mosomes by the Exome Aggregation Consortium (ExAC, g; dbSNP rs397517781).

PreventionGenetics, part of Exact Sciences
Classification: Likely benign for TTN-related condition. Last evaluated: 2024-09-03. Review status: no assertion criteria provided. Collection method: clinical testing. Allele origin: germline. Not counted in ClinVar's aggregate classification.
Comment: This variant is classified as likely benign based on ACMG/AMP sequence variant interpretation guidelines (Richards et al. 2015 PMID: 25741868, with internal and published modifications).

Clinical Genetics, Academic Medical Center
Classification: Benign. Review status: no assertion criteria provided. Collection method: clinical testing. Allele origin: germline. Affected: yes. Study: VKGL Data-share Consensus. Not counted in ClinVar's aggregate classification.

Diagnostic Laboratory, Department of Genetics, University Medical Center Groningen
Classification: Likely benign. Review status: no assertion criteria provided. Collection method: clinical testing. Allele origin: germline. Affected: yes. Study: VKGL Data-share Consensus. Not counted in ClinVar's aggregate classification.

Genome Diagnostics Laboratory, University Medical Center Utrecht
Classification: Likely benign. Review status: no assertion criteria provided. Collection method: clinical testing. Allele origin: germline. Affected: yes. Study: VKGL Data-share Consensus. Not counted in ClinVar's aggregate classification.

NM_001267550.2(TTN):c.99830G>A (p.Gly33277Glu)

Genes: TTN (titin; minus strand), TTN-AS1 (TTN antisense RNA 1; plus strand), LOC126806420 (BRD4-independent group 4 enhancer GRCh37_chr2:179401104-179402303; plus strand). Cytogenetic location: 2q31.2.
Variant type: single nucleotide variant.
Coding change: c.99830G>A on transcript NM_001267550.2 (MANE Select); coding-DNA position 99830, G replaced by A.
Protein change: p.Gly33277Glu; replaces glycine 33277 with glutamic acid.
Molecular consequence: missense variant. On other transcripts: non-coding transcript variant (1).
Genome position (GRCh38, 1-based): chr2:178,537,377, C>T on the plus strand (G>A on the coding strand, the complement: TTN is on the minus strand). VCF-style: chr2-178537377-C-T. GRCh37 (hg19) VCF-style: chr2-179402104-C-T.
Other names: p.G31636E:GGA>GAA; c.94907G>A, p.Gly31636Glu (NM_001256850.1); c.92126G>A, p.Gly30709Glu (NM_133378.4); c.72635G>A, p.Gly24212Glu (NM_003319.4); c.73010G>A, p.Gly24337Glu (NM_133432.3); c.73211G>A, p.Gly24404Glu (NM_133437.4); short protein forms G33277E, G30709E, G31636E, G24212E, G24404E, G24337E.
Identifiers: ClinVar variation 47620 (VCV000047620.30), dbSNP rs397517781, ClinGen allele CA141525.
Genomic context (GRCh38, chr2:178,537,377, plus strand): 5'-AGCACTGAAAATAAAAATAAAATACCTTGTATTTCCACATCAAGGATGGCATCAACTGTT[C>T]CAAAAACATTGCTGAGCTGGACTTTGTATTTCCCAGCATGAGTCTTACGTTGGACATTCT-3'
Protein context (NP_001254479.2, residues 33267-33287): KYKVQLSNVF[Gly33277Glu]TVDAILDVEI